The following is an entry in ClinVar:

ClinVar aggregate classification (germline): Uncertain significance. Review status: criteria provided, multiple submitters, no conflicts (2 of 4 stars). 2 submissions from 2 submitters: Uncertain significance (2). Last evaluated 2024-09-15.

Submissions (2):

Labcorp Genetics (formerly Invitae), Labcorp
Classification: Uncertain significance. Last evaluated: 2024-09-15. Review status: criteria provided, single submitter. Criteria: Invitae Variant Classification Sherloc (09022015). Collection method: clinical testing. Allele origin: germline.
Comment: This sequence change replaces alanine, which is neutral and non-polar, with serine, which is neutral and polar, at codon 194 of the NTHL1 protein (p.Ala194Ser). This variant is not present in population databases (gnomAD no frequency). This variant has not been reported in the literature in individuals affected with NTHL1-related conditions. ClinVar contains an entry for this variant (Variation ID: 1706124). An algorithm developed to predict the effect of missense changes on protein structure and function (PolyPhen-2) suggests that this variant is likely to be tolerated. In summary, the available evidence is currently insufficient to determine the role of this variant in disease. Therefore, it has been classified as a Variant of Uncertain Significance.

GeneDx
Classification: Uncertain significance. Last evaluated: 2022-03-13. Review status: criteria provided, single submitter. Criteria: GeneDx Variant Classification Process June 2021. Collection method: clinical testing. Allele origin: germline. Affected: yes.
Comment: Not observed at significant frequency in large population cohorts (gnomAD); In silico analysis supports that this missense variant does not alter protein structure/function; Has not been previously published as pathogenic or benign to our knowledge

NM_002528.7(NTHL1):c.556G>T (p.Ala186Ser)

Gene: NTHL1 (nth like DNA glycosylase 1; minus strand). Cytogenetic location: 16p13.3.
Variant type: single nucleotide variant.
Coding change: c.556G>T on transcript NM_002528.7 (MANE Select); coding-DNA position 556, G replaced by T.
Protein change: p.Ala186Ser; replaces alanine 186 with serine.
Molecular consequence: missense variant.
Genome position (GRCh38, 1-based): chr16:2,043,696, C>A on the plus strand (G>T on the coding strand, the complement: NTHL1 is on the minus strand). VCF-style: chr16-2043696-C-A. GRCh37 (hg19) VCF-style: chr16-2093697-C-A.
Other names: c.385G>T, p.Ala129Ser (NM_001318193.2); c.226G>T, p.Ala76Ser (NM_001318194.2); short protein forms A129S, A186S, A76S.
Identifiers: ClinVar variation 1706124 (VCV001706124.4), dbSNP rs554393986, ClinGen allele CA394292270.